The following is an entry in ClinVar:

NM_001379200.1(TBX1):c.1199G>C (p.Gly400Ala)

Gene: TBX1 (T-box transcription factor 1; plus strand). Cytogenetic location: 22q11.21.
Variant type: single nucleotide variant.
Coding change: c.1199G>C on transcript NM_001379200.1 (MANE Select); coding-DNA position 1199, G replaced by C.
Protein change: p.Gly400Ala; replaces glycine 400 with alanine.
Molecular consequence: missense variant. On other transcripts: intron variant (2).
Genome position (GRCh38, 1-based): chr22:19,766,551, G>C. VCF-style: chr22-19766551-G-C. GRCh37 (hg19) VCF-style: chr22-19754074-G-C.
Other names: c.1172G>C, p.Gly391Ala (NM_080647.1); c.1009+549G>C (NM_005992.1, NM_080646.2); short protein forms G391A, G400A.
Identifiers: ClinVar variation 1063137 (VCV001063137.9), dbSNP rs1238160485, ClinGen allele CA410684491.
Genomic context (GRCh38, chr22:19,766,551, plus strand): 5'-CCTCGCTGCCCGGGGCCGGCGGCGCCGGCGGCTTAGTCCCGCTGCCCGGCGCGCCCGGAG[G>C]CCGGCCCAGTCCCCCGAACCCCGAGCTGCGCCTGGAGGCGCCCGGCGCATCGGAGCCGCT-3'
Protein context (NP_001366129.1, residues 390-410): GLVPLPGAPG[Gly400Ala]RPSPPNPELR

ClinVar aggregate classification (germline): Uncertain significance (1 of 4 stars; one submission).

Conditions:
DiGeorge syndrome. Also called: Catch22; THIRD AND FOURTH PHARYNGEAL POUCH SYNDROME. Identifiers: Orphanet 567, MedGen C0012236, MONDO:0008564, OMIM 188400.

Allele frequency attached by ClinVar (database versions not stated): gnomAD exomes below 0.00001; gnomAD 0.00001; TOPMed 0.00001.
gnomAD v4.1: 6 of 1,387,300 alleles (0.00043%); highest among the groups gnomAD compares: African/African-American, 0.0045%; no homozygotes.

Submission:

Labcorp Genetics (formerly Invitae), Labcorp
Classification: Uncertain significance for DiGeorge syndrome. Last evaluated: 2020-10-05. Review status: criteria provided, single submitter. Criteria: Invitae Variant Classification Sherloc (09022015). Collection method: clinical testing. Allele origin: germline.
Comment: In summary, the available evidence is currently insufficient to determine the role of this variant in disease. Therefore, it has been classified as a Variant of Uncertain Significance. Algorithms developed to predict the effect of missense changes on protein structure and function are either unavailable or do not agree on the potential impact of this missense change (SIFT: "Deleterious"; PolyPhen-2: "Benign"; Align-GVGD: "Class C0"). This variant has not been reported in the literature in individuals with TBX1-related conditions. The frequency data for this variant in the population databases is considered unreliable, as metrics indicate insufficient coverage at this position in the ExAC database. This sequence change replaces glycine with alanine at codon 391 of the TBX1 protein (p.Gly391Ala). The glycine residue is highly conserved and there is a small physicochemical difference between glycine and alanine.